The following is an entry in ClinVar:

ClinVar aggregate classification (germline): Likely benign (0 of 4 stars; one submission).

Conditions:
ZNF292-related disorder. Also called: ZNF292-related condition.

Allele frequency attached by ClinVar (database versions not stated): gnomAD 0.00001; TOPMed 0.00002; gnomAD exomes 0.00012.
gnomAD v4.1: 176 of 1,607,400 alleles (0.011%); highest among the groups gnomAD compares: Non-Finnish European, 0.015%; no homozygotes.

Submission:

PreventionGenetics, part of Exact Sciences
Classification: Likely benign for ZNF292-related condition. Last evaluated: 2019-08-02. Review status: no assertion criteria provided. Collection method: clinical testing. Allele origin: germline.
Comment: This variant is classified as likely benign based on ACMG/AMP sequence variant interpretation guidelines (Richards et al. 2015 PMID: 25741868, with internal and published modifications).

NM_015021.3(ZNF292):c.5277T>C (p.Leu1759=)

Gene: ZNF292 (zinc finger protein 292; plus strand). Cytogenetic location: 6q14.3.
Variant type: single nucleotide variant.
Coding change: c.5277T>C on transcript NM_015021.3 (MANE Select); coding-DNA position 5277, T replaced by C.
Protein change: p.Leu1759=; no amino-acid change (leucine 1759 retained).
Molecular consequence: synonymous variant.
Genome position (GRCh38, 1-based): chr6:87,258,906, T>C. VCF-style: chr6-87258906-T-C. GRCh37 (hg19) VCF-style: chr6-87968624-T-C.
Other names: c.4857T>C, p.Leu1619= (NM_001351444.2).
Identifiers: ClinVar variation 3034774 (VCV003034774.2), dbSNP rs767548026, ClinGen allele CA142837903.